The following is an entry in ClinVar:

NM_000186.4(CFH):c.107C>T (p.Ser36Phe)

Gene: CFH (complement factor H; plus strand). Cytogenetic location: 1q31.3.
Variant type: single nucleotide variant.
Coding change: c.107C>T on transcript NM_000186.4 (MANE Select); coding-DNA position 107, C replaced by T.
Protein change: p.Ser36Phe; replaces serine 36 with phenylalanine.
Molecular consequence: missense variant.
Genome position (GRCh38, 1-based): chr1:196,673,026, C>T. VCF-style: chr1-196673026-C-T. GRCh37 (hg19) VCF-style: chr1-196642156-C-T.
Other names: c.107C>T, p.Ser36Phe (NM_001014975.3); short protein forms S36F.
Identifiers: ClinVar variation 3685270 (VCV003685270.2).
Genomic context (GRCh38, chr1:196,673,026, plus strand): 5'-TATTGTTTGTAGATTGCAATGAACTTCCTCCAAGAAGAAATACAGAAATTCTGACAGGTT[C>T]CTGGTCTGACCAAACATATCCAGAAGGCACCCAGGCTATCTATAAATGCCGCCCTGGATA-3'
Protein context (NP_000177.2, residues 26-46): PRRNTEILTG[Ser36Phe]WSDQTYPEGT

ClinVar aggregate classification (germline): Uncertain significance (1 of 4 stars; one submission).

gnomAD v4.1: 12 of 1,614,000 alleles (0.00074%); highest among the groups gnomAD compares: Non-Finnish European, 0.001%; no homozygotes.

Submission:

Labcorp Genetics (formerly Invitae), Labcorp
Classification: Uncertain significance. Last evaluated: 2024-09-25. Review status: criteria provided, single submitter. Criteria: Invitae Variant Classification Sherloc (09022015). Collection method: clinical testing. Allele origin: germline.
Comment: This sequence change replaces serine, which is neutral and polar, with phenylalanine, which is neutral and non-polar, at codon 36 of the CFH protein (p.Ser36Phe). This variant is not present in population databases (gnomAD no frequency). This variant has not been reported in the literature in individuals affected with CFH-related conditions. An algorithm developed to predict the effect of missense changes on protein structure and function (PolyPhen-2) suggests that this variant is likely to be disruptive. In summary, the available evidence is currently insufficient to determine the role of this variant in disease. Therefore, it has been classified as a Variant of Uncertain Significance.